The following is an entry in ClinVar:

ClinVar aggregate classification (germline): Likely pathogenic. Review status: criteria provided, multiple submitters, no conflicts (2 of 4 stars). 2 submissions from 2 submitters: Likely pathogenic (2). Last evaluated 2025-08-28.

Conditions:
Hereditary cancer-predisposing syndrome. Also called: Tumor predisposition; Hereditary Cancer Syndrome; Neoplastic Syndromes, Hereditary; Hereditary neoplastic syndrome. Identifiers: Orphanet 140162, MedGen C0027672, MeSH D009386, MONDO:0015356.
Ataxia-telangiectasia syndrome (AT). Also called: Cerebello-oculocutaneous telangiectasia; Immunodeficiency with ataxia telangiectasia; Ataxia-telangiectasia, complementation group D; AT, COMPLEMENTATION GROUP C; Ataxia-telangiectasia, complementation group E; LOUIS-BAR SYNDROME. Identifiers: Orphanet 100, MedGen C0004135, MONDO:0008840, OMIM 208900.

Submissions (2):

Ambry Genetics
Classification: Likely pathogenic for Hereditary cancer-predisposing syndrome. Last evaluated: 2025-08-28. Review status: criteria provided, single submitter. Criteria: Ambry Variant Classification Scheme 2023. Collection method: clinical testing. Allele origin: germline.
Comment: The c.2466+2T>G intronic variant results from a T to G substitution two nucleotides after coding exon 15 in the ATM gene. Alterations that disrupt the canonical splice site are expected to result in aberrant splicing. In silico splice site analysis predicts that this alteration will weaken the native splice donor site. A resulting transcript is predicted to be in-frame and is not expected to trigger nonsense-mediated mRNAdecay; although, direct evidence is unavailable. However, the region predicted to be impacted is critical for protein function (Ambry internal data). Other variant(s) impacting the same donor site (c.2466+1delG) have been identified in individual(s) with features consistent with ATM-related cancer predisposition (Ambry internal data).This variant is considered to be rare based on population cohorts in the Genome Aggregation Database (gnomAD). This nucleotide position is highly conserved in available vertebrate species. Based on the majority of available evidence to date, this variant is likely to be pathogenic.

Labcorp Genetics (formerly Invitae), Labcorp
Classification: Likely pathogenic for Ataxia-telangiectasia syndrome. Last evaluated: 2017-07-03. Review status: criteria provided, single submitter. Criteria: Invitae Variant Classification Sherloc (09022015). Collection method: clinical testing. Allele origin: germline.
Comment: In summary, the currently available evidence indicates that the variant is pathogenic, but additional data are needed to prove that conclusively. Therefore, this variant has been classified as Likely Pathogenic. Donor and acceptor splice site variants typically lead to a loss of protein function (PMID: 16199547), and loss-of-function variants in ATM are known to be pathogenic (PMID: 25614872, 23807571). This variant has not been reported in the literature in individuals with ATM-related disease. Algorithms developed to predict the effect of sequence changes on RNA splicing suggest that this variant may disrupt the consensus splice site, but this prediction has not been confirmed by published transcriptional studies. This variant is not present in population databases (ExAC no frequency). This sequence change affects a donor splice site in intron 16 of the ATM gene. It is expected to disrupt RNA splicing and likely results in an absent or disrupted protein product.

Literature cited by the submitters: PubMed 16199547 (cited by Labcorp Genetics (formerly Invitae), Labcorp); PubMed 25614872 (cited by Labcorp Genetics (formerly Invitae), Labcorp); PubMed 23807571 (cited by Labcorp Genetics (formerly Invitae), Labcorp).

NM_000051.4(ATM):c.2466+2T>G

Gene: ATM (ATM serine/threonine kinase; plus strand). Cytogenetic location: 11q22.3.
Variant type: single nucleotide variant.
Coding change: c.2466+2T>G on transcript NM_000051.4 (MANE Select); the canonical splice donor site of the intron after coding-DNA position 2466, T replaced by G.
Molecular consequence: splice donor variant.
Genome position (GRCh38, 1-based): chr11:108,259,077, T>G. VCF-style: chr11-108259077-T-G. GRCh37 (hg19) VCF-style: chr11-108129804-T-G.
Other names: c.2466+2T>G (NM_001351834.2).
Identifiers: ClinVar variation 453415 (VCV000453415.7), dbSNP rs878853495, ClinGen allele CA382541438.